The following is an entry in ClinVar:

ClinVar aggregate classification (germline): Likely pathogenic (1 of 4 stars; one submission).

Conditions:
Cardiovascular phenotype. Identifiers: MedGen CN230736.
Hereditary cancer-predisposing syndrome. Also called: Hereditary neoplastic syndrome; Neoplastic Syndromes, Hereditary; Tumor predisposition; Hereditary Cancer Syndrome. Identifiers: Orphanet 140162, MedGen C0027672, MeSH D009386, MONDO:0015356.

Submission:

Ambry Genetics
Classification: Likely pathogenic for Cardiovascular phenotype; Hereditary cancer-predisposing syndrome. Last evaluated: 2025-06-18. Review status: criteria provided, single submitter. Criteria: Ambry Variant Classification Scheme 2023. Collection method: clinical testing. Allele origin: germline.
Comment: The c.1185_1185+1insTCT variant results from an in-frame insertion of TCT at nucleotide positions 1185 to c.1185+1 and involves the canonical donor site after coding exon 10 of the NF1 gene. This variant is considered to be rare based on population cohorts in the Genome Aggregation Database (gnomAD). The canonical splice donor site is highly conserved in available vertebrate species. In silico splice site analysis predicts that this alteration will weaken the native splice donor site; however, the exact impact of this deletion on NF1 splicing and function is currently unknown. Alterations that disrupt the canonical splice site are expected to cause aberrant splicing, resulting in an abnormal protein or a transcript that is subject to nonsense-mediated mRNA decay. As such, this alteration is classified as likely pathogenic.

NM_001042492.3(NF1):c.1185_1185+1insTCT

Gene: NF1 (neurofibromin 1; plus strand). Cytogenetic location: 17q11.2.
Variant type: Insertion.
Coding change: c.1185_1185+1insTCT on transcript NM_001042492.3 (MANE Select); coding-DNA position 1185 through the canonical splice donor site of the intron after coding-DNA position 1185, TCT inserted.
Molecular consequence: splice donor variant.
Genome position: GRCh38 VCF-style: chr17-31201159-G-GTCT. GRCh37 (hg19) VCF-style: chr17-29528177-G-GTCT.
Other names: c.1185_1185+1insTCT (NM_000267.4, NM_001128147.3).
Identifiers: ClinVar variation 4119058 (VCV004119058.1).